The following is an entry in ClinVar:

ClinVar aggregate classification (germline): Pathogenic (1 of 4 stars; one submission).

Conditions:
Hereditary cancer-predisposing syndrome. Also called: Tumor predisposition; Hereditary Cancer Syndrome; Neoplastic Syndromes, Hereditary; Hereditary neoplastic syndrome. Identifiers: Orphanet 140162, MedGen C0027672, MeSH D009386, MONDO:0015356.

Submission:

Color Diagnostics, LLC DBA Color Health
Classification: Pathogenic for Hereditary cancer-predisposing syndrome. Last evaluated: 2021-04-21. Review status: criteria provided, single submitter. Criteria: ACMG Guidelines, 2015. Collection method: clinical testing. Allele origin: germline.
Comment: This variant inserts 1 nucleotide in exon 6 of the BRCA2 gene, creating a frameshift and premature translation stop signal. This variant is expected to result in an absent or non-functional protein product. This variant has not been reported in individuals affected with breast cancer in the literature (PMID: 25186627). This variant has not been identified in the general population by the Genome Aggregation Database (gnomAD). Loss of BRCA2 function is a known mechanism of disease. Based on the available evidence, this variant is classified as Pathogenic.

NM_000059.4(BRCA2):c.490_491insG (p.Leu164fs)

Gene: BRCA2 (BRCA2 DNA repair associated; plus strand). Cytogenetic location: 13q13.1.
Variant type: Insertion.
Coding change: c.490_491insG on transcript NM_000059.4 (MANE Select); coding-DNA positions 490 to 491, G inserted.
Protein change: p.Leu164fs; shifts the reading frame from leucine 164.
Molecular consequence: frameshift variant.
Genome position: GRCh38 VCF-style: chr13-32326256-T-TG. GRCh37 (hg19) VCF-style: chr13-32900393-T-TG.
Other names: short protein forms L164fs.
Identifiers: ClinVar variation 1331918 (VCV001331918.2), dbSNP rs2137450410, ClinGen allele CA2573053800.